The following is an entry in ClinVar:

NM_003611.3(OFD1):c.1020G>A (p.Glu340=)

Gene: OFD1 (OFD1 centriole and centriolar satellite protein; plus strand). Cytogenetic location: Xp22.2.
Variant type: single nucleotide variant.
Coding change: c.1020G>A on transcript NM_003611.3 (MANE Select); coding-DNA position 1020, G replaced by A.
Protein change: p.Glu340=; no amino-acid change (glutamic acid 340 retained).
Molecular consequence: synonymous variant. On other transcripts: intron variant (1).
Genome position (GRCh38, 1-based): chrX:13,751,333, G>A. VCF-style: chrX-13751333-G-A. GRCh37 (hg19) VCF-style: chrX-13769452-G-A.
Other names: p.Glu340=; c.600G>A, p.Glu200= (NM_001330210.2); c.935+1800G>A (NM_001330209.2).
Identifiers: ClinVar variation 159463 (VCV000159463.61), dbSNP rs5979959, ClinGen allele CA172890.

ClinVar aggregate classification (germline): Benign/Likely benign. Review status: criteria provided, multiple submitters, no conflicts (2 of 4 stars). 8 submissions from 8 submitters: Benign (7); Likely benign (1). Last evaluated 2026-01-26.

Conditions:
Joubert syndrome. Also called: Familial aplasia of the vermis; JOUBERT-BOLTSHAUSER SYNDROME. Identifiers: Orphanet 475, MedGen C5979921, MONDO:0018772.
Orofaciodigital syndrome I (OFD1). Also called: Oral-Facial-Digital Syndrome Type I; OFDS I; Papillon-Leage and Psaume Syndrome. Identifiers: Orphanet 2750, MedGen C1510460, MONDO:0010702, OMIM 311200.
Primary ciliary dyskinesia. Also called: Ciliary dyskinesia. Identifiers: Orphanet 244, MedGen C0008780, MONDO:0016575, HP:0012265.

Allele frequency attached by ClinVar (database versions not stated): gnomAD exomes 0.00057 and 0.00169; ExAC 0.00209; 1000 Genomes Project 30x 0.00458; 1000 Genomes Project 0.00503; gnomAD 0.00585 and 0.00630; ESP Exome Variant Server 0.00701; TOPMed 0.00726.
gnomAD v4.1: 1,306 of 1,199,911 alleles (0.11%); highest among the groups gnomAD compares: African/African-American, 2%; 9 homozygotes.

Submissions (8):

Labcorp Genetics (formerly Invitae), Labcorp
Classification: Benign for Orofaciodigital syndrome I; Joubert syndrome. Last evaluated: 2026-01-26. Review status: criteria provided, single submitter. Criteria: Invitae Variant Classification Sherloc (09022015). Collection method: clinical testing. Allele origin: germline.

Mayo Clinic Laboratories, Mayo Clinic
Classification: Benign. Last evaluated: 2025-01-20. Review status: criteria provided, single submitter. Criteria: ACMG Guidelines, 2015. Collection method: clinical testing. Allele origin: germline. Observed: 5 variant alleles.
Comment: BA1

Blueprint Genetics
Classification: Likely benign. Last evaluated: 2024-10-04. Review status: criteria provided, single submitter. Criteria: ACMG Guidelines, 2015. Collection method: clinical testing. Allele origin: germline.

GeneDx
Classification: Benign. Last evaluated: 2017-07-03. Review status: criteria provided, single submitter. Criteria: GeneDx Variant Classification (06012015). Collection method: clinical testing. Allele origin: germline. Affected: yes.
Comment: This variant is considered likely benign or benign based on one or more of the following criteria: it is a conservative change, it occurs at a poorly conserved position in the protein, it is predicted to be benign by multiple in silico algorithms, and/or has population frequency not consistent with disease.

Ambry Genetics
Classification: Benign for Primary ciliary dyskinesia. Last evaluated: 2015-07-12. Review status: criteria provided, single submitter. Criteria: Ambry Variant Classification Scheme 2023. Collection method: clinical testing. Allele origin: germline.

Genetic Services Laboratory, University of Chicago
Classification: Benign. Last evaluated: 2013-02-08. Review status: criteria provided, single submitter. Criteria: ACMG Guidelines, 2007. Collection method: clinical testing. Allele origin: germline. Inheritance: X-linked inheritance.

Breakthrough Genomics
Classification: Benign. Review status: criteria provided, single submitter. Criteria: ACMG Guidelines, 2015. Collection method: not provided. Allele origin: germline. Inheritance: X-linked inheritance. Affected: yes.

PreventionGenetics, part of Exact Sciences
Classification: Benign. Review status: criteria provided, single submitter. Criteria: ACMG Guidelines, 2015. Collection method: clinical testing. Allele origin: germline.